The following is an entry in ClinVar:

ClinVar aggregate classification (germline): Uncertain significance (1 of 4 stars; one submission).

Conditions:
Kleefstra syndrome 1 (KLEFS1). Identifiers: Orphanet 261494, MedGen C0795833, MONDO:0027407, OMIM 610253.

Allele frequency attached by ClinVar (database versions not stated): TOPMed below 0.00001; gnomAD exomes 0.00001 and below 0.00001.
gnomAD v4.1: 14 of 1,614,216 alleles (0.00087%); highest among the groups gnomAD compares: Non-Finnish European, 0.0012%; no homozygotes.

Submission:

Labcorp Genetics (formerly Invitae), Labcorp
Classification: Uncertain significance for Kleefstra syndrome 1. Last evaluated: 2019-07-30. Review status: criteria provided, single submitter. Criteria: Invitae Variant Classification Sherloc (09022015). Collection method: clinical testing. Allele origin: germline.
Comment: This sequence change replaces glutamic acid with lysine at codon 226 of the EHMT1 protein (p.Glu226Lys). The glutamic acid residue is weakly conserved and there is a small physicochemical difference between glutamic acid and lysine. This variant is not present in population databases (ExAC no frequency). This variant has not been reported in the literature in individuals with EHMT1-related disease. Algorithms developed to predict the effect of missense changes on protein structure and function (SIFT, PolyPhen-2, Align-GVGD) all suggest that this variant is likely to be tolerated, but these predictions have not been confirmed by published functional studies and their clinical significance is uncertain. In summary, the available evidence is currently insufficient to determine the role of this variant in disease. Therefore, it has been classified as a Variant of Uncertain Significance.

NM_024757.5(EHMT1):c.676G>A (p.Glu226Lys)

Gene: EHMT1 (euchromatic histone lysine methyltransferase 1; plus strand). Cytogenetic location: 9q34.3.
Variant type: single nucleotide variant.
Coding change: c.676G>A on transcript NM_024757.5 (MANE Select); coding-DNA position 676, G replaced by A.
Protein change: p.Glu226Lys; replaces glutamic acid 226 with lysine.
Molecular consequence: missense variant.
Genome position (GRCh38, 1-based): chr9:137,728,382, G>A. VCF-style: chr9-137728382-G-A. GRCh37 (hg19) VCF-style: chr9-140622834-G-A.
Other names: c.676G>A, p.Glu226Lys (NM_001145527.2, NM_001354263.2, NM_001354611.2); c.583G>A, p.Glu195Lys (NM_001354259.2, NM_001354612.2); short protein forms E226K, E195K.
Identifiers: ClinVar variation 531854 (VCV000531854.11), dbSNP rs1554852591, ClinGen allele CA375771741.